The following is an entry in ClinVar:

ClinVar aggregate classification (germline): Uncertain significance (1 of 4 stars; one submission).

Allele frequency attached by ClinVar (database versions not stated): gnomAD 0.00001; ExAC 0.00002; gnomAD exomes 0.00003; TOPMed 0.00003; ESP Exome Variant Server 0.00008.

Submission:

Labcorp Genetics (formerly Invitae), Labcorp
Classification: Uncertain significance. Last evaluated: 2025-06-17. Review status: criteria provided, single submitter. Criteria: Invitae Variant Classification Sherloc (09022015). Collection method: clinical testing. Allele origin: germline.
Comment: This sequence change creates a premature translational stop signal (p.Thr34Aspfs*33) in the IL12RB2 gene. It is expected to result in an absent or disrupted protein product. However, the current clinical and genetic evidence is not sufficient to establish whether loss-of-function variants in IL12RB2 cause disease. This variant is present in population databases (rs752958471, gnomAD 0.002%). This variant has not been reported in the literature in individuals affected with IL12RB2-related conditions. ClinVar contains an entry for this variant (Variation ID: 2189727). Experimental studies and prediction algorithms are not available or were not evaluated, and the functional significance of this variant is currently unknown. In summary, the available evidence is currently insufficient to determine the role of this variant in disease. Therefore, it has been classified as a Variant of Uncertain Significance.

NM_001374259.2(IL12RB2):c.98dup (p.Thr34fs)

Gene: IL12RB2 (interleukin 12 receptor subunit beta 2; plus strand). Cytogenetic location: 1p31.3.
Variant type: Duplication.
Coding change: c.98dup on transcript NM_001374259.2 (MANE Select); coding-DNA position 98, one base duplicated (T; older notation c.98dupT).
Protein change: p.Thr34fs; shifts the reading frame from threonine 34.
Molecular consequence: frameshift variant. On other transcripts: non-coding transcript variant (2).
Genome position (GRCh38, 1-based): chr1:67,321,623, T duplicated. VCF-style (leftmost placement, unchanged base first): chr1-67321622-G-GT. GRCh37 (hg19) VCF-style: chr1-67787305-G-GT.
Other names: c.98dup, p.Thr34fs (NM_001258214.1, NM_001258215.1, NM_001258216.1 and 2 more transcripts); short protein forms T34fs.
Identifiers: ClinVar variation 2189727 (VCV002189727.4), dbSNP rs752958471, ClinGen allele CA900116.